The following is an entry in ClinVar:

NM_005026.5(PIK3CD):c.866A>G (p.Gln289Arg)

Gene: PIK3CD (phosphatidylinositol-4,5-bisphosphate 3-kinase catalytic subunit delta; plus strand). Cytogenetic location: 1p36.22.
Variant type: single nucleotide variant.
Coding change: c.866A>G on transcript NM_005026.5 (MANE Select); coding-DNA position 866, A replaced by G.
Protein change: p.Gln289Arg; replaces glutamine 289 with arginine.
Molecular consequence: missense variant. On other transcripts: splice acceptor variant (1).
Genome position (GRCh38, 1-based): chr1:9,717,044, A>G. VCF-style: chr1-9717044-A-G. GRCh37 (hg19) VCF-style: chr1-9777102-A-G.
Other names: c.866A>G, p.Gln289Arg (NM_001350234.2); c.781-2A>G (NM_001350235.1); short protein forms Q289R.
Identifiers: ClinVar variation 1041355 (VCV001041355.13), dbSNP rs969868296, ClinGen allele CA17776142.

ClinVar aggregate classification (germline): Uncertain significance. Review status: criteria provided, single submitter (1 of 4 stars). 2 submissions from 2 submitters: Uncertain significance (1). 1 of the submissions does not count toward it. Last evaluated 2025-11-09.

Conditions:
Activated PI3K-delta syndrome. Identifiers: Orphanet 397596, MedGen C3714976, MONDO:0018338.
Immunodeficiency 14 (IMD14A). Also called: ACTIVATED PI3K-DELTA SYNDROME 1; IMMUNODEFICIENCY 14A WITH LYMPHOPROLIFERATION, AUTOSOMAL DOMINANT; Activated PI3K Delta Syndrome Type 1 (APDS1); p110-DELTA-ACTIVATING MUTATION CAUSING SENESCENT T CELLS, LYMPHADENOPATHY, AND IMMUNODEFICIENCY. Identifiers: Orphanet 397596, Orphanet 693661, MedGen C5907821, MONDO:0014222, OMIM 615513.

Allele frequency attached by ClinVar (database versions not stated): gnomAD 0.00001; TOPMed 0.00001.
gnomAD v4.1: 1 of 1,613,806 alleles (0.000062%); highest among the groups gnomAD compares: African/African-American, 0.0013%; no homozygotes.

Submissions (2):

Labcorp Genetics (formerly Invitae), Labcorp
Classification: Uncertain significance for Activated PI3K-delta syndrome. Last evaluated: 2025-11-09. Review status: criteria provided, single submitter. Criteria: Invitae Variant Classification Sherloc (09022015). Collection method: clinical testing. Allele origin: germline.
Comment: This sequence change replaces glutamine, which is neutral and polar, with arginine, which is basic and polar, at codon 289 of the PIK3CD protein (p.Gln289Arg). This variant is not present in population databases (gnomAD no frequency). This variant has not been reported in the literature in individuals affected with PIK3CD-related conditions. ClinVar contains an entry for this variant (Variation ID: 1041355). Invitae Evidence Modeling of protein sequence and biophysical properties (such as structural, functional, and spatial information, amino acid conservation, physicochemical variation, residue mobility, and thermodynamic stability) indicates that this missense variant is not expected to disrupt PIK3CD protein function with a negative predictive value of 80%. In summary, the available evidence is currently insufficient to determine the role of this variant in disease. Therefore, it has been classified as a Variant of Uncertain Significance.

Rarefied Biosciences Lab
Classification: Likely pathogenic for Activated PI3K-delta syndrome. Review status: no assertion criteria provided. Collection method: research. Allele origin: germline, not applicable. Affected: yes. Not counted in ClinVar's aggregate classification.
Comment: p.Gln289Arg is classified here as likely pathogenic due to experimental evidence showing gain of mTOR function. Both the proportion of circulating TFH and transitional B cells is higher as compared to healthy controls.

Literature cited by the submitters: PubMed 31031754 (cited by Rarefied Biosciences Lab).